The following is an entry in ClinVar:

NM_000090.4(COL3A1):c.3774C>T (p.Pro1258=)

Gene: COL3A1 (collagen type III alpha 1 chain; plus strand). Cytogenetic location: 2q32.2.
Variant type: single nucleotide variant.
Coding change: c.3774C>T on transcript NM_000090.4 (MANE Select); coding-DNA position 3774, C replaced by T.
Protein change: p.Pro1258=; no amino-acid change (proline 1258 retained).
Molecular consequence: synonymous variant.
Genome position (GRCh38, 1-based): chr2:189,009,172, C>T. VCF-style: chr2-189009172-C-T. GRCh37 (hg19) VCF-style: chr2-189873898-C-T.
Other names: p.Pro1258=.
Identifiers: ClinVar variation 412899 (VCV000412899.27), dbSNP rs149790711, ClinGen allele CA076271.
Genomic context (GRCh38, chr2:189,009,172, plus strand): 5'-CAAGTCTGTTAATGGACAAATAGAAAGCCTCATTAGTCCTGATGGTTCTCGTAAAAACCC[C>T]GCTAGAAACTGCAGAGACCTGAAATTCTGCCATCCTGAACTCAAGAGTGGTATGTTTGGT-3'
Protein context (NP_000081.2, residues 1248-1268): LISPDGSRKN[Pro1258=]ARNCRDLKFC

ClinVar aggregate classification (germline): Benign/Likely benign. Review status: criteria provided, multiple submitters, no conflicts (2 of 4 stars). 10 submissions from 10 submitters: Benign (2); Likely benign (7). 1 of the submissions does not count toward it. Last evaluated 2026-01-14.

Conditions:
COL3A1-related disorder. Also called: COL3A1-related condition.
Ehlers-Danlos syndrome, type 4 (EDSVASC). Also called: Ehlers-Danlos Syndrome Type IV; Ehlers-Danlos syndrome vascular type; Ehlers Danlos syndrome, ecchymotic type; Ehlers Danlos syndrome, arterial type; Ehlers Danlos syndrome, Sack-Barabas type. Identifiers: Orphanet 286, MedGen C0268338, MONDO:0017314, OMIM 130050.
Familial thoracic aortic aneurysm and aortic dissection (TAAD). Also called: Thoracic aortic aneurysms and dissections. Identifiers: Orphanet 91387, MedGen C4707243, MONDO:0019625.

Allele frequency attached by ClinVar (database versions not stated): gnomAD exomes 0.00005 and 0.00010; ExAC 0.00013; gnomAD 0.00045 and 0.00053; TOPMed 0.00048; ESP Exome Variant Server 0.00054.
gnomAD v4.1: 147 of 1,614,048 alleles (0.0091%); highest among the groups gnomAD compares: African/African-American, 0.15%; 1 homozygote.

Submissions (10):

Labcorp Genetics (formerly Invitae), Labcorp
Classification: Benign for Ehlers-Danlos syndrome, type 4. Last evaluated: 2026-01-14. Review status: criteria provided, single submitter. Criteria: Invitae Variant Classification Sherloc (09022015). Collection method: clinical testing. Allele origin: germline.

Women's Health and Genetics/Laboratory Corporation of America, LabCorp
Classification: Likely benign. Last evaluated: 2025-11-26. Review status: criteria provided, single submitter. Criteria: LabCorp Variant Classification Summary - May 2015. Collection method: clinical testing. Allele origin: germline.

Mayo Clinic Laboratories, Mayo Clinic
Classification: Likely benign. Last evaluated: 2025-08-05. Review status: criteria provided, single submitter. Criteria: ACMG Guidelines, 2015. Collection method: clinical testing. Allele origin: germline. Observed: 1 variant allele.
Comment: BS1, BS2_supporting, BP4, BP7

All of Us Research Program, National Institutes of Health
Classification: Likely benign for Ehlers-Danlos syndrome, type 4. Last evaluated: 2024-01-03. Review status: criteria provided, single submitter. Criteria: ACMG Guidelines, 2015. Collection method: clinical testing. Allele origin: germline. Inheritance: Autosomal dominant inheritance. Observed: 25 variant alleles, 25 heterozygotes.
Comment: This study involves interpretation of variants in research participants for the purpose of population health screening. Participant phenotype was not available at the time of variant classification. Additional details can be found in publication PMID: 35346344, PMCID: PMC8962531

Blueprint Genetics
Classification: Likely benign. Last evaluated: 2021-09-02. Review status: criteria provided, single submitter. Criteria: ACMG Guidelines, 2015. Collection method: clinical testing. Allele origin: germline.

GeneDx
Classification: Likely benign. Last evaluated: 2021-01-28. Review status: criteria provided, single submitter. Criteria: GeneDx Variant Classification Process June 2021. Collection method: clinical testing. Allele origin: germline. Affected: yes.

Color Diagnostics, LLC DBA Color Health
Classification: Likely benign for Familial thoracic aortic aneurysm and aortic dissection. Last evaluated: 2018-11-27. Review status: criteria provided, single submitter. Criteria: ACMG Guidelines, 2015. Collection method: clinical testing. Allele origin: germline.

Ambry Genetics
Classification: Benign for Familial thoracic aortic aneurysm and aortic dissection. Last evaluated: 2015-09-09. Review status: criteria provided, single submitter. Criteria: Ambry Variant Classification Scheme 2023. Collection method: clinical testing. Allele origin: germline.

Breakthrough Genomics
Classification: Likely benign. Review status: criteria provided, single submitter. Criteria: ACMG Guidelines, 2015. Collection method: not provided. Allele origin: germline. Inheritance: Autosomal recessive inheritance. Affected: yes.

PreventionGenetics, part of Exact Sciences
Classification: Likely benign for COL3A1-related condition. Last evaluated: 2021-08-04. Review status: no assertion criteria provided. Collection method: clinical testing. Allele origin: germline. Not counted in ClinVar's aggregate classification.
Comment: This variant is classified as likely benign based on ACMG/AMP sequence variant interpretation guidelines (Richards et al. 2015 PMID: 25741868, with internal and published modifications).